The following is an entry in ClinVar:

ClinVar aggregate classification (germline): Likely benign. Review status: criteria provided, multiple submitters, no conflicts (2 of 4 stars). 3 submissions from 3 submitters: Likely benign (3). Last evaluated 2026-06-01.

Conditions:
Fanconi anemia (FA). Also called: Fanconi's anemia. Identifiers: Orphanet 84, MedGen C0015625, MeSH D005199, MONDO:0019391.

Allele frequency attached by ClinVar (database versions not stated): gnomAD exomes 0.00010 and 0.00014; ExAC 0.00013; ESP Exome Variant Server 0.00015; gnomAD 0.00018 and 0.00019; 1000 Genomes Project 0.00020; 1000 Genomes Project 30x 0.00031.
gnomAD v4.1: 185 of 1,613,652 alleles (0.011%); highest among the groups gnomAD compares: Middle Eastern, 0.033%; no homozygotes.

Submissions (3):

CeGaT Center for Human Genetics Tuebingen
Classification: Likely benign. Last evaluated: 2026-06-01. Review status: criteria provided, single submitter. Criteria: CeGaT Center For Human Genetics Tuebingen Variant Classification Criteria Version 2. Collection method: clinical testing. Allele origin: germline. Affected: yes. Observed: 1 variant allele.
Comment: FANCD2: BP4, BP7

Labcorp Genetics (formerly Invitae), Labcorp
Classification: Likely benign for Fanconi anemia. Last evaluated: 2026-01-28. Review status: criteria provided, single submitter. Criteria: Invitae Variant Classification Sherloc (09022015). Collection method: clinical testing. Allele origin: germline.

Blueprint Genetics
Classification: Likely benign. Last evaluated: 2024-04-10. Review status: criteria provided, single submitter. Criteria: ACMG Guidelines, 2015. Collection method: clinical testing. Allele origin: germline.

NM_001018115.3(FANCD2):c.2142G>A (p.Pro714=)

Genes: FANCD2 (FA complementation group D2; plus strand), LOC107303338 (3p25 FANCD2 Alu-mediated recombination region; plus strand). Cytogenetic location: 3p25.3.
Variant type: single nucleotide variant.
Coding change: c.2142G>A on transcript NM_001018115.3 (MANE Select); coding-DNA position 2142, G replaced by A.
Protein change: p.Pro714=; no amino-acid change (proline 714 retained).
Molecular consequence: synonymous variant.
Genome position (GRCh38, 1-based): chr3:10,064,849, G>A. VCF-style: chr3-10064849-G-A. GRCh37 (hg19) VCF-style: chr3-10106533-G-A.
Other names: c.2142G>A, p.Pro714= (NM_001319984.2, NM_001374254.1, NM_033084.6); c.2031G>A, p.Pro677= (NM_001374253.1).
Identifiers: ClinVar variation 697075 (VCV000697075.14), dbSNP rs372215382, ClinGen allele CA2249969.